The following is an entry in ClinVar:

NM_017514.5(PLXNA3):c.2005G>A (p.Glu669Lys)

Gene: PLXNA3 (plexin A3; plus strand). Cytogenetic location: Xq28.
Variant type: single nucleotide variant.
Coding change: c.2005G>A on transcript NM_017514.5 (MANE Select); coding-DNA position 2005, G replaced by A.
Protein change: p.Glu669Lys; replaces glutamic acid 669 with lysine.
Molecular consequence: missense variant.
Genome position (GRCh38, 1-based): chrX:154,464,830, G>A. VCF-style: chrX-154464830-G-A. GRCh37 (hg19) VCF-style: chrX-153693173-G-A.
Other names: short protein forms E669K.
Identifiers: ClinVar variation 4988225 (VCV004988225.1).

ClinVar aggregate classification (germline): Uncertain significance (1 of 4 stars; one submission).

Conditions:
PLXNA3-related disorder. Also called: PLXNA3-related condition.

gnomAD v4.1: 14 of 1,207,130 alleles (0.0012%); highest among the groups gnomAD compares: Middle Eastern, 0.023%; no homozygotes.

Submission:

PreventionGenetics, part of Exact Sciences
Classification: Uncertain significance for PLXNA3-related condition. Last evaluated: 2026-06-16. Review status: criteria provided, single submitter. Criteria: ACMG Guidelines, 2015. Collection method: clinical testing. Allele origin: germline.
Comment: The PLXNA3 c.2005G>A variant is predicted to result in the amino acid substitution p.Glu669Lys. To our knowledge, this variant has not been reported in the literature or in a large population database (gnomAD), indicating this variant is rare. At this time, the clinical significance of this variant is uncertain due to the absence of conclusive functional and genetic evidence.